The following is an entry in ClinVar:

NM_006218.4(PIK3CA):c.2439A>G (p.Thr813=)

Gene: PIK3CA (phosphatidylinositol-4,5-bisphosphate 3-kinase catalytic subunit alpha; plus strand). Cytogenetic location: 3q26.32.
Variant type: single nucleotide variant.
Coding change: c.2439A>G on transcript NM_006218.4 (MANE Select); coding-DNA position 2439, A replaced by G.
Protein change: p.Thr813=; no amino-acid change (threonine 813 retained).
Molecular consequence: synonymous variant.
Genome position (GRCh38, 1-based): chr3:179,225,984, A>G. VCF-style: chr3-179225984-A-G. GRCh37 (hg19) VCF-style: chr3-178943772-A-G.
Other names: c.2439A>G (LRG_310t1, NM_006218.3).
Identifiers: ClinVar variation 456539 (VCV000456539.17), dbSNP rs201600506, ClinGen allele CA2710958.

ClinVar aggregate classification (germline): Likely benign. Review status: criteria provided, multiple submitters, no conflicts (2 of 4 stars). 4 submissions from 4 submitters: Likely benign (3). 1 of the submissions does not count toward it. Last evaluated 2025-12-30.

Conditions:
PIK3CA-related disorder. Also called: PIK3CA-related disorders; PIK3CA- related disease; PIK3CA-related condition.
Inborn genetic diseases. Identifiers: MedGen C0950123, MeSH D030342.
Cowden syndrome (CS). Also called: Cowden's disease; Cowden's syndrome; Cowden disease. Identifiers: Orphanet 201, MedGen C0018553, MONDO:0016063. Disease mechanism: gain of function.

Allele frequency attached by ClinVar (database versions not stated): TOPMed 0.00011.
gnomAD v4.1: 24 of 1,594,212 alleles (0.0015%); highest among the groups gnomAD compares: African/African-American, 0.031%; no homozygotes.

Submissions (4):

Women's Health and Genetics/Laboratory Corporation of America, LabCorp
Classification: Likely benign. Last evaluated: 2025-12-30. Review status: criteria provided, single submitter. Criteria: LabCorp Variant Classification Summary - May 2015. Collection method: clinical testing. Allele origin: germline.

Labcorp Genetics (formerly Invitae), Labcorp
Classification: Likely benign for Cowden syndrome. Last evaluated: 2022-06-07. Review status: criteria provided, single submitter. Criteria: Invitae Variant Classification Sherloc (09022015). Collection method: clinical testing. Allele origin: germline.

Ambry Genetics
Classification: Likely benign for Inborn genetic diseases. Last evaluated: 2022-03-03. Review status: criteria provided, single submitter. Criteria: Ambry Variant Classification Scheme 2023. Collection method: clinical testing. Allele origin: germline.

PreventionGenetics, part of Exact Sciences
Classification: Likely benign for PIK3CA-related condition. Last evaluated: 2022-07-13. Review status: no assertion criteria provided. Collection method: clinical testing. Allele origin: germline. Not counted in ClinVar's aggregate classification.
Comment: This variant is classified as likely benign based on ACMG/AMP sequence variant interpretation guidelines (Richards et al. 2015 PMID: 25741868, with internal and published modifications).